The following is an entry in ClinVar:

NM_152564.5(VPS13B):c.10791A>G (p.Gly3597=)

Gene: VPS13B (vacuolar protein sorting 13 homolog B; plus strand). Cytogenetic location: 8q22.2.
Variant type: single nucleotide variant.
Coding change: c.10791A>G on transcript NM_152564.5 (MANE Select); coding-DNA position 10791, A replaced by G.
Protein change: p.Gly3597=; no amino-acid change (glycine 3597 retained).
Molecular consequence: synonymous variant.
Genome position (GRCh38, 1-based): chr8:99,854,180, A>G. VCF-style: chr8-99854180-A-G. GRCh37 (hg19) VCF-style: chr8-100866408-A-G.
Other names: c.10866A>G, p.Gly3622= (NM_017890.5).
Identifiers: ClinVar variation 1543257 (VCV001543257.10), dbSNP rs985145622, ClinGen allele CA182314875.

ClinVar aggregate classification (germline): Likely benign. Review status: criteria provided, multiple submitters, no conflicts (2 of 4 stars). 2 submissions from 2 submitters: Likely benign (2). Last evaluated 2026-05-01.

Conditions:
Cohen syndrome (COH1). Also called: Cutis verticis gyrata, retinitis pigmentosa, and sensorineural deafness; PEPPER SYNDROME. Identifiers: Orphanet 193, MedGen C0265223, MONDO:0008999, OMIM 216550.

Submissions (2):

CeGaT Center for Human Genetics Tuebingen
Classification: Likely benign. Last evaluated: 2026-05-01. Review status: criteria provided, single submitter. Criteria: CeGaT Center For Human Genetics Tuebingen Variant Classification Criteria Version 2. Collection method: clinical testing. Allele origin: germline. Affected: yes. Observed: 1 variant allele.
Comment: VPS13B: PM2:Supporting, BP4, BP7

Labcorp Genetics (formerly Invitae), Labcorp
Classification: Likely benign for Cohen syndrome. Last evaluated: 2025-11-03. Review status: criteria provided, single submitter. Criteria: Invitae Variant Classification Sherloc (09022015). Collection method: clinical testing. Allele origin: germline.